The following is an entry in ClinVar:

NM_001366385.1(CARD14):c.1504T>C (p.Cys502Arg)

Gene: CARD14 (caspase recruitment domain family member 14; plus strand). Cytogenetic location: 17q25.3.
Variant type: single nucleotide variant.
Coding change: c.1504T>C on transcript NM_001366385.1 (MANE Select); coding-DNA position 1504, T replaced by C.
Protein change: p.Cys502Arg; replaces cysteine 502 with arginine.
Molecular consequence: missense variant. On other transcripts: non-coding transcript variant (1).
Genome position (GRCh38, 1-based): chr17:80,195,562, T>C. VCF-style: chr17-80195562-T-C. GRCh37 (hg19) VCF-style: chr17-78169361-T-C.
Other names: c.1504T>C, p.Cys502Arg (NM_001257970.1, NM_024110.4); c.793T>C, p.Cys265Arg (NM_052819.3); short protein forms C265R, C502R.
Identifiers: ClinVar variation 1935374 (VCV001935374.5), dbSNP rs1388140550, ClinGen allele CA401349319.
Genomic context (GRCh38, chr17:80,195,562, plus strand): 5'-GGACTCAGAGGGAGCAGGTGATGCAGTTTGAGCCTGCTGCTGCTTATGCTTTGCAGCAGC[T>C]GCCTGGAGATCCCGGAGGGAGACCCGGGAGCCCTGCCGGGAGCTAAGGCAGGCGACCCAC-3'
Protein context (NP_001353314.1, residues 492-512): FGEEPWSFSS[Cys502Arg]LEIPEGDPGA

ClinVar aggregate classification (germline): Uncertain significance (1 of 4 stars; one submission).

Conditions:
Pityriasis rubra pilaris (PRP). Also called: Pityriasis rubra pilaris--familial type. Identifiers: Orphanet 2897, MedGen C0032027, MONDO:0100017, OMIM 173200, MONDO:0008251.
Psoriasis 2. Identifiers: MedGen C1864497, MONDO:0011269, OMIM 602723.

Allele frequency attached by ClinVar (database versions not stated): gnomAD exomes below 0.00001; TOPMed below 0.00001; gnomAD 0.00001.
gnomAD v4.1: 2 of 1,610,938 alleles (0.00012%); highest among the groups gnomAD compares: South Asian, 0.0011%; no homozygotes.

Submission:

Labcorp Genetics (formerly Invitae), Labcorp
Classification: Uncertain significance for Pityriasis rubra pilaris; Psoriasis 2. Last evaluated: 2022-03-11. Review status: criteria provided, single submitter. Criteria: Invitae Variant Classification Sherloc (09022015). Collection method: clinical testing. Allele origin: germline.
Comment: In summary, the available evidence is currently insufficient to determine the role of this variant in disease. Therefore, it has been classified as a Variant of Uncertain Significance. Algorithms developed to predict the effect of missense changes on protein structure and function (SIFT, PolyPhen-2, Align-GVGD) all suggest that this variant is likely to be tolerated. This variant is not present in population databases (gnomAD no frequency). This sequence change replaces cysteine, which is neutral and slightly polar, with arginine, which is basic and polar, at codon 502 of the CARD14 protein (p.Cys502Arg). This variant has not been reported in the literature in individuals affected with CARD14-related conditions.